The following is an entry in ClinVar:

NM_000051.4(ATM):c.4701C>T (p.Asp1567=)

Gene: ATM (ATM serine/threonine kinase; plus strand). Cytogenetic location: 11q22.3.
Variant type: single nucleotide variant.
Coding change: c.4701C>T on transcript NM_000051.4 (MANE Select); coding-DNA position 4701, C replaced by T.
Protein change: p.Asp1567=; no amino-acid change (aspartic acid 1567 retained).
Molecular consequence: synonymous variant.
Genome position (GRCh38, 1-based): chr11:108,293,402, C>T. VCF-style: chr11-108293402-C-T. GRCh37 (hg19) VCF-style: chr11-108164129-C-T.
Other names: c.4701C>T, p.Asp1567= (NM_001351834.2).
Identifiers: ClinVar variation 825111 (VCV000825111.8), dbSNP rs1591677421, ClinGen allele CA476674422.
Genomic context (GRCh38, chr11:108,293,402, plus strand): 5'-AGATAACAAGGATAATGAAAACCTCTATATCACGATTAAGCTTTTAGATCCTTTTCCTGA[C>T]CATGTTGTTTTTAAGGATTTGCGTATTACTCAGCAAAAAATCAAATACAGTAGAGGACCC-3'
Protein context (NP_000042.3, residues 1557-1577): ITIKLLDPFP[Asp1567=]HVVFKDLRIT

ClinVar aggregate classification (germline): Benign/Likely benign. Review status: criteria provided, multiple submitters, no conflicts (2 of 4 stars). 3 submissions from 3 submitters: Benign (1); Likely benign (2). Last evaluated 2025-02-16.

Conditions:
Ataxia-telangiectasia syndrome (AT). Also called: ATAXIA-TELANGIECTASIA, COMPLEMENTATION GROUP A; ATAXIA-TELANGIECTASIA, FRESNO VARIANT; Ataxia-telangiectasia, complementation group E; Ataxia telangiectasia (A-T); LOUIS-BAR SYNDROME; Cerebello-oculocutaneous telangiectasia. Identifiers: Orphanet 100, MedGen C0004135, MONDO:0008840, OMIM 208900.
Hereditary cancer-predisposing syndrome. Also called: Neoplastic Syndromes, Hereditary; Hereditary Cancer Syndrome; Hereditary neoplastic syndrome; Tumor predisposition. Identifiers: Orphanet 140162, MedGen C0027672, MeSH D009386, MONDO:0015356.
Familial cancer of breast. Also called: hereditary breast carcinoma; BREAST CANCER, FAMILIAL; Hereditary breast cancer. Identifiers: Orphanet 227535, MedGen C0346153, MONDO:0016419, OMIM 114480. Disease mechanism: loss of function.

Allele frequency attached by ClinVar (database versions not stated): gnomAD exomes below 0.00001.
gnomAD v4.1: 1 of 1,610,786 alleles (0.000062%); highest among the groups gnomAD compares: South Asian, 0.0011%; no homozygotes.

Submissions (3):

Labcorp Genetics (formerly Invitae), Labcorp
Classification: Likely benign for Ataxia-telangiectasia syndrome. Last evaluated: 2025-02-16. Review status: criteria provided, single submitter. Criteria: Invitae Variant Classification Sherloc (09022015). Collection method: clinical testing. Allele origin: germline.

Myriad Genetics, Inc.
Classification: Benign for Familial cancer of breast. Last evaluated: 2024-05-20. Review status: criteria provided, single submitter. Criteria: Myriad Autosomal Dominant, Autosomal Recessive and X-Linked Classification Criteria (2023). Collection method: clinical testing. Allele origin: unknown.
Comment: This variant is considered benign. This variant is a silent/synonymous amino acid change and it is not expected to impact splicing.

Ambry Genetics
Classification: Likely benign for Hereditary cancer-predisposing syndrome. Last evaluated: 2018-01-03. Review status: criteria provided, single submitter. Criteria: Ambry Variant Classification Scheme 2023. Collection method: clinical testing. Allele origin: germline.